The following is an entry in ClinVar:

ClinVar aggregate classification (germline): Benign/Likely benign. Review status: criteria provided, multiple submitters, no conflicts (2 of 4 stars). 3 submissions from 3 submitters: Benign (1); Likely benign (2). Last evaluated 2026-03-26.

Conditions:
RIMS1-related disorder. Also called: RIMS1-related condition.

Allele frequency attached by ClinVar (database versions not stated): gnomAD exomes 0.00009 and 0.00017; ExAC 0.00019; 1000 Genomes Project 0.00040; 1000 Genomes Project 30x 0.00047; gnomAD 0.00081 and 0.00086; ESP Exome Variant Server 0.00083; TOPMed 0.00090.
gnomAD v4.1: 268 of 1,612,600 alleles (0.017%); highest among the groups gnomAD compares: African/African-American, 0.28%; no homozygotes.

Submissions (3):

PreventionGenetics, part of Exact Sciences
Classification: Likely benign for RIMS1-related condition. Last evaluated: 2026-03-26. Review status: criteria provided, single submitter. Criteria: ACMG Guidelines, 2015. Collection method: clinical testing. Allele origin: germline.
Comment: This variant is classified as likely benign based on ACMG/AMP sequence variant interpretation guidelines (Richards et al. 2015 PMID: 25741868, with internal and published modifications).

Labcorp Genetics (formerly Invitae), Labcorp
Classification: Benign. Last evaluated: 2025-12-30. Review status: criteria provided, single submitter. Criteria: Invitae Variant Classification Sherloc (09022015). Collection method: clinical testing. Allele origin: germline.

Blueprint Genetics
Classification: Likely benign. Last evaluated: 2024-11-26. Review status: criteria provided, single submitter. Criteria: ACMG Guidelines, 2015. Collection method: clinical testing. Allele origin: germline.

NM_014989.7(RIMS1):c.3471G>A (p.Pro1157=)

Gene: RIMS1 (regulating synaptic membrane exocytosis 1; plus strand). Cytogenetic location: 6q13.
Variant type: single nucleotide variant.
Coding change: c.3471G>A on transcript NM_014989.7 (MANE Select); coding-DNA position 3471, G replaced by A.
Protein change: p.Pro1157=; no amino-acid change (proline 1157 retained).
Molecular consequence: synonymous variant. On other transcripts: intron variant (58).
Genome position (GRCh38, 1-based): chr6:72,274,421, G>A. VCF-style: chr6-72274421-G-A. GRCh37 (hg19) VCF-style: chr6-72984124-G-A.
Other names: c.1703+8372G>A (NM_001350418.2, NM_001350434.2); c.1625+8372G>A (NM_001350456.2, NM_001350438.2, NM_001168407.2 and 5 more transcripts); c.1536-9626G>A (NM_001350454.2, NM_001350449.2); c.1535+13654G>A (NM_001350432.2); c.1473-9626G>A (NM_001350447.2, NM_001350440.2); c.1472+15310G>A (NM_001350444.2, NM_001350423.2, NM_001350419.2); c.1628+8372G>A (NM_001350452.2, NM_001350446.2, NM_001350442.2 and 7 more transcripts); c.1559+8372G>A (NM_001350462.2, NM_001350428.2, NM_001350459.2 and 1 more transcripts); and 20 more.
Identifiers: ClinVar variation 752325 (VCV000752325.13), dbSNP rs374938269, ClinGen allele CA3886255.